The following is an entry in ClinVar:

ClinVar aggregate classification (germline): Likely pathogenic. Review status: criteria provided, multiple submitters, no conflicts (2 of 4 stars). 2 submissions from 2 submitters: Likely pathogenic (2). Last evaluated 2025-05-22.

Conditions:
Iodotyrosyl coupling defect (TDH3). Also called: HYPOTHYROIDISM, CONGENITAL, DUE TO DYSHORMONOGENESIS, 3; THYROID HORMONOGENESIS, GENETIC DEFECT IN, 3. Identifiers: Orphanet 95716, MedGen C0342194, MONDO:0010135, OMIM 274700.
Autoimmune thyroid disease, susceptibility to, 3. Identifiers: MedGen C1842444, MONDO:0011982, OMIM 608175.

gnomAD v4.1: 2 of 1,614,128 alleles (0.00012%); highest among the groups gnomAD compares: Non-Finnish European, 0.00017%; no homozygotes.

Submissions (2):

Dasa
Classification: Likely pathogenic. Last evaluated: 2025-05-22. Review status: criteria provided, single submitter. Criteria: DASA Assertion Criteria. Collection method: clinical testing. Allele origin: germline.
Comment: NM_003235.5(TG):c.7955C>A (p.Ser2652*) is a nonsense variant in TG predicted to introduce a premature termination codon and is predicted to result in an absent or altered protein product. Loss of function is an established disease mechanism for TG-associated disorders. Also, this variant is rare in population databases. Based on the currently available evidence, this variant is classified as likely pathogenic.

Fulgent Genetics
Classification: Likely pathogenic for Iodotyrosyl coupling defect; Autoimmune thyroid disease, susceptibility to, 3. Last evaluated: 2024-05-09. Review status: criteria provided, single submitter. Criteria: ACMG Guidelines, 2015. Collection method: clinical testing. Allele origin: germline.

NM_003235.5(TG):c.7955C>A (p.Ser2652Ter)

Gene: TG (thyroglobulin; plus strand). Cytogenetic location: 8q24.22.
Variant type: single nucleotide variant.
Coding change: c.7955C>A on transcript NM_003235.5 (MANE Select); coding-DNA position 7955, C replaced by A.
Protein change: p.Ser2652Ter; replaces serine 2652 with a stop codon.
Molecular consequence: nonsense.
Genome position (GRCh38, 1-based): chr8:133,131,904, C>A. VCF-style: chr8-133131904-C-A. GRCh37 (hg19) VCF-style: chr8-134144148-C-A.
Other names: short protein forms S2652*.
Identifiers: ClinVar variation 3595281 (VCV003595281.3).